The following is an entry in ClinVar:

NM_001354604.2(MITF):c.1247A>G (p.Asp416Gly)

Gene: MITF (melanocyte inducing transcription factor; plus strand). Cytogenetic location: 3p13.
Variant type: single nucleotide variant.
Coding change: c.1247A>G on transcript NM_001354604.2 (MANE Select); coding-DNA position 1247, A replaced by G.
Protein change: p.Asp416Gly; replaces aspartic acid 416 with glycine.
Molecular consequence: missense variant.
Genome position (GRCh38, 1-based): chr3:69,964,914, A>G. VCF-style: chr3-69964914-A-G. GRCh37 (hg19) VCF-style: chr3-70014065-A-G.
Other names: c.926A>G, p.Asp309Gly (NM_000248.4); c.1073A>G, p.Asp358Gly (NM_001184967.2, NM_001354608.2); c.1244A>G, p.Asp415Gly (NM_001354605.2); c.1226A>G, p.Asp409Gly (NM_001354606.2, NM_006722.3); c.1178A>G, p.Asp393Gly (NM_001354607.2); c.908A>G, p.Asp303Gly (NM_198158.3); c.1229A>G, p.Asp410Gly (NM_198159.3); c.1181A>G, p.Asp394Gly (NM_198177.3); and 1 more; short protein forms D309G, D415G, D303G, D393G, D394G, D410G, D416G, D247G.
Identifiers: ClinVar variation 4648749 (VCV004648749.1).

ClinVar aggregate classification (germline): Uncertain significance (1 of 4 stars; one submission).

Conditions:
Hereditary cancer-predisposing syndrome. Also called: Neoplastic Syndromes, Hereditary; Tumor predisposition; Hereditary Cancer Syndrome; Hereditary neoplastic syndrome. Identifiers: Orphanet 140162, MedGen C0027672, MeSH D009386, MONDO:0015356.

Submission:

Ambry Genetics
Classification: Uncertain significance for Hereditary cancer-predisposing syndrome. Last evaluated: 2025-10-28. Review status: criteria provided, single submitter. Criteria: Ambry Variant Classification Scheme 2023. Collection method: clinical testing. Allele origin: germline.
Comment: The p.D309G variant (also known as c.926A>G), located in coding exon 9 of the MITF gene, results from an A to G substitution at nucleotide position 926. The aspartic acid at codon 309 is replaced by glycine, an amino acid with similar properties. This amino acid position is conserved. In addition, the in silico prediction for this alteration is inconclusive. Based on the available evidence, the clinical significance of this variant remains unclear.